The following is an entry in ClinVar:

ClinVar aggregate classification (germline): Uncertain significance (1 of 4 stars; one submission).

gnomAD v4.1: 1 of 1,612,528 alleles (0.000062%); highest among the groups gnomAD compares: African/African-American, 0.0013%; no homozygotes.

Submission:

Women's Health and Genetics/Laboratory Corporation of America, LabCorp
Classification: Uncertain significance. Last evaluated: 2025-04-28. Review status: criteria provided, single submitter. Criteria: LabCorp Variant Classification Summary - May 2015. Collection method: clinical testing. Allele origin: germline.
Comment: Variant summary: GBF1 c.3430G>C (p.Asp1144His) results in a non-conservative amino acid change in the encoded protein sequence. Three of five in-silico tools predict a damaging effect of the variant on protein function. The variant was absent in 251406 control chromosomes. The available data on variant occurrences in the general population are insufficient to allow any conclusion about variant significance. To our knowledge, no occurrence of c.3430G>C in individuals affected with Charcot-Marie-Tooth Disease, axonal, type 2GG and no experimental evidence demonstrating its impact on protein function have been reported. No submitters have cited clinical-significance assessments for this variant to ClinVar. Based on the evidence outlined above, the variant was classified as uncertain significance.

NM_001377137.1(GBF1):c.3433G>C (p.Asp1145His)

Gene: GBF1 (golgi brefeldin A resistant guanine nucleotide exchange factor 1; plus strand). Cytogenetic location: 10q24.32.
Variant type: single nucleotide variant.
Coding change: c.3433G>C on transcript NM_001377137.1 (MANE Select); coding-DNA position 3433, G replaced by C.
Protein change: p.Asp1145His; replaces aspartic acid 1145 with histidine.
Molecular consequence: missense variant. On other transcripts: non-coding transcript variant (5).
Genome position (GRCh38, 1-based): chr10:102,370,405, G>C. VCF-style: chr10-102370405-G-C. GRCh37 (hg19) VCF-style: chr10-104130162-G-C.
Other names: c.3433G>C, p.Asp1145His (NM_001199378.2, NM_001391923.1); c.3430G>C, p.Asp1144His (NM_001199379.2, NM_001377141.1, NM_001391924.1 and 3 more transcripts); c.3394G>C, p.Asp1132His (NM_001377138.1, NM_001391925.1); c.3136G>C, p.Asp1046His (NM_001377139.1, NM_001377140.1); c.3529G>C, p.Asp1177His (NM_001391922.1, NM_001411027.1); c.3397G>C, p.Asp1133His (NM_001391926.1); c.3289G>C, p.Asp1097His (NM_001391928.1); c.3193G>C, p.Asp1065His (NM_001391929.1); and 2 more; short protein forms D1018H, D1046H, D1065H, D1097H, D1132H, D1133H, D1144H, D1145H.
Identifiers: ClinVar variation 3896586 (VCV003896586.2).
Genomic context (GRCh38, chr10:102,370,405, plus strand): 5'-CTTTTCCATGCCTACTTTCCTGCTGCTGTTCCCCTTCAGGCTCTGGTCTCAGTGACACCA[G>C]ATGAAGAGACATATGATGAGGAAGATGCTGCTTTCTGCCTAGAGATGCTGCTAAGGATTG-3'
Protein context (NP_001364066.1, residues 1135-1155): LMKALVSVTP[Asp1145His]EETYDEEDAA